The following is an entry in ClinVar:

ClinVar aggregate classification (germline): Uncertain significance. Review status: criteria provided, multiple submitters, no conflicts (2 of 4 stars). 3 submissions from 3 submitters: Uncertain significance (3). Last evaluated 2024-12-10.

Conditions:
PHIP-related disorder. Also called: PHIP-related disorders; PHIP-related condition.
Inborn genetic diseases. Identifiers: MedGen C0950123, MeSH D030342.

Allele frequency attached by ClinVar (database versions not stated): gnomAD 0.00001; gnomAD exomes 0.00001; TOPMed 0.00003.
gnomAD v4.1: 6 of 1,610,536 alleles (0.00037%); highest among the groups gnomAD compares: Admixed American, 0.0084%; no homozygotes.

Submissions (3):

Ambry Genetics
Classification: Uncertain significance for Inborn genetic diseases. Last evaluated: 2024-12-10. Review status: criteria provided, single submitter. Criteria: Ambry Variant Classification Scheme 2023. Collection method: clinical testing. Allele origin: germline.

PreventionGenetics, part of Exact Sciences
Classification: Uncertain significance for PHIP-related condition. Last evaluated: 2024-10-17. Review status: criteria provided, single submitter. Criteria: ACMG Guidelines, 2015. Collection method: clinical testing. Allele origin: germline.
Comment: The PHIP c.478A>G variant is predicted to result in the amino acid substitution p.Arg160Gly. To our knowledge, this variant has not been reported in the literature. This variant is present in 1 allele out of ~31,000 alleles in gnomAD. At this time, the clinical significance of this variant is uncertain due to the absence of conclusive functional and genetic evidence.

Labcorp Genetics (formerly Invitae), Labcorp
Classification: Uncertain significance. Last evaluated: 2024-10-02. Review status: criteria provided, single submitter. Criteria: Invitae Variant Classification Sherloc (09022015). Collection method: clinical testing. Allele origin: germline.
Comment: This sequence change replaces arginine, which is basic and polar, with glycine, which is neutral and non-polar, at codon 160 of the PHIP protein (p.Arg160Gly). This variant is present in population databases (no rsID available, gnomAD 0.1%). This variant has not been reported in the literature in individuals affected with PHIP-related conditions. ClinVar contains an entry for this variant (Variation ID: 2188828). Invitae Evidence Modeling of protein sequence and biophysical properties (such as structural, functional, and spatial information, amino acid conservation, physicochemical variation, residue mobility, and thermodynamic stability) indicates that this missense variant is not expected to disrupt PHIP protein function with a negative predictive value of 80%. In summary, the available evidence is currently insufficient to determine the role of this variant in disease. Therefore, it has been classified as a Variant of Uncertain Significance.

NM_017934.7(PHIP):c.478A>G (p.Arg160Gly)

Gene: PHIP (PHIP subunit of CUL4-Ring ligase complex; minus strand). Cytogenetic location: 6q14.1.
Variant type: single nucleotide variant.
Coding change: c.478A>G on transcript NM_017934.7 (MANE Select); coding-DNA position 478, A replaced by G.
Protein change: p.Arg160Gly; replaces arginine 160 with glycine.
Molecular consequence: missense variant.
Genome position (GRCh38, 1-based): chr6:79,042,965, T>C on the plus strand (A>G on the coding strand, the complement: PHIP is on the minus strand). VCF-style: chr6-79042965-T-C. GRCh37 (hg19) VCF-style: chr6-79752682-T-C.
Other names: c.478A>G (NM_017934.5, NM_017934.6); short protein forms R160G.
Identifiers: ClinVar variation 2188828 (VCV002188828.6), dbSNP rs984630210, ClinGen allele CA141874782.